The following is an entry in ClinVar:

ClinVar aggregate classification (germline): Likely benign. Review status: criteria provided, multiple submitters, no conflicts (2 of 4 stars). 6 submissions from 6 submitters: Likely benign (6). Last evaluated 2026-09-21.

Conditions:
Familial thoracic aortic aneurysm and aortic dissection (TAAD). Also called: Thoracic aortic aneurysms and dissections. Identifiers: Orphanet 91387, MedGen C4707243, MONDO:0019625.
Aortic aneurysm, familial thoracic 4 (AAT4). Also called: AORTIC ANEURYSM/AORTIC DISSECTION AND PATENT DUCTUS ARTERIOSUS. Identifiers: MedGen C1851504, MONDO:0007568, OMIM 132900.

Allele frequency attached by ClinVar (database versions not stated): gnomAD exomes 0.00001; TOPMed 0.00002; gnomAD 0.00003; ExAC 0.00004; ESP Exome Variant Server 0.00015.
gnomAD v4.1: 16 of 1,613,906 alleles (0.00099%); highest among the groups gnomAD compares: African/African-American, 0.0053%; no homozygotes.

Submissions (6):

Molecular Diagnostic Laboratory for Inherited Cardiovascular Disease, Montreal Heart Institute
Classification: Likely benign. Last evaluated: 2026-09-21. Review status: criteria provided, single submitter. Criteria: ACMG Guidelines, 2015. Collection method: clinical testing. Allele origin: germline. Affected: no.
Comment: BS1;BP7

Labcorp Genetics (formerly Invitae), Labcorp
Classification: Likely benign for Aortic aneurysm, familial thoracic 4. Last evaluated: 2025-08-29. Review status: criteria provided, single submitter. Criteria: Invitae Variant Classification Sherloc (09022015). Collection method: clinical testing. Allele origin: germline.

Ambry Genetics
Classification: Likely benign for Familial thoracic aortic aneurysm and aortic dissection. Last evaluated: 2023-07-21. Review status: criteria provided, single submitter. Criteria: Ambry Variant Classification Scheme 2023. Collection method: clinical testing. Allele origin: germline.

All of Us Research Program, National Institutes of Health
Classification: Likely benign for Familial thoracic aortic aneurysm and aortic dissection. Last evaluated: 2023-06-28. Review status: criteria provided, single submitter. Criteria: ACMG Guidelines, 2015. Collection method: clinical testing. Allele origin: germline. Inheritance: Autosomal dominant inheritance. Observed: 3 variant alleles, 3 heterozygotes.
Comment: This study involves interpretation of variants in research participants for the purpose of population health screening. Participant phenotype was not available at the time of variant classification. Additional details can be found in publication PMID: 35346344, PMCID: PMC8962531

CeGaT Center for Human Genetics Tuebingen
Classification: Likely benign. Last evaluated: 2021-07-01. Review status: criteria provided, single submitter. Criteria: CeGaT Center For Human Genetics Tuebingen Variant Classification Criteria Version 2. Collection method: clinical testing. Allele origin: germline. Affected: yes. Observed: 1 variant allele.

Color Diagnostics, LLC DBA Color Health
Classification: Likely benign for Familial thoracic aortic aneurysm and aortic dissection. Last evaluated: 2018-10-16. Review status: criteria provided, single submitter. Criteria: ACMG Guidelines, 2015. Collection method: clinical testing. Allele origin: germline.

NM_002474.3(MYH11):c.2199G>A (p.Ala733=)

Gene: MYH11 (myosin heavy chain 11; minus strand). Cytogenetic location: 16p13.11.
Variant type: single nucleotide variant.
Coding change: c.2199G>A on transcript NM_002474.3 (MANE Select); coding-DNA position 2199, G replaced by A.
Protein change: p.Ala733=; no amino-acid change (alanine 733 retained).
Molecular consequence: synonymous variant.
Genome position (GRCh38, 1-based): chr16:15,747,925, C>T on the plus strand (G>A on the coding strand, the complement: MYH11 is on the minus strand). VCF-style: chr16-15747925-C-T. GRCh37 (hg19) VCF-style: chr16-15841782-C-T.
Other names: c.2199G>A (NM_002474.2); c.2220G>A, p.Ala740= (NM_001040113.2, NM_001040114.2); c.2199G>A, p.Ala733= (NM_022844.3).
Identifiers: ClinVar variation 413415 (VCV000413415.50), dbSNP rs375397717, ClinGen allele CA7922351.